The following is an entry in ClinVar:

NM_000399.5(EGR2):c.86A>C (p.Glu29Ala)

Gene: EGR2 (early growth response 2; minus strand). Cytogenetic location: 10q21.3.
Variant type: single nucleotide variant.
Coding change: c.86A>C on transcript NM_000399.5 (MANE Select); coding-DNA position 86, A replaced by C.
Protein change: p.Glu29Ala; replaces glutamic acid 29 with alanine.
Molecular consequence: missense variant. On other transcripts: 5 prime UTR variant (2).
Genome position (GRCh38, 1-based): chr10:62,815,944, T>G on the plus strand (A>C on the coding strand, the complement: EGR2 is on the minus strand). VCF-style: chr10-62815944-T-G. GRCh37 (hg19) VCF-style: chr10-64575704-T-G.
Other names: c.86A>C, p.Glu29Ala (NM_001136177.3, NM_001136178.2); c.-65A>C (NM_001136179.3, NM_001321037.2); c.125A>C, p.Glu42Ala (NM_001410931.1); short protein forms E29A, E42A.
Identifiers: ClinVar variation 4717696 (VCV004717696.1).

ClinVar aggregate classification (germline): Uncertain significance (1 of 4 stars; one submission).

Conditions:
Charcot-Marie-Tooth disease, type I (CMT1). Also called: Charcot-Marie-Tooth, Type 1; Charcot-Marie-Tooth disease type 1. Identifiers: Orphanet 65753, MedGen C0751036, MONDO:0019011.

Submission:

Labcorp Genetics (formerly Invitae), Labcorp
Classification: Uncertain significance for Charcot-Marie-Tooth disease, type I. Last evaluated: 2025-08-13. Review status: criteria provided, single submitter. Criteria: Invitae Variant Classification Sherloc (09022015). Collection method: clinical testing. Allele origin: germline.
Comment: This sequence change replaces glutamic acid, which is acidic and polar, with alanine, which is neutral and non-polar, at codon 29 of the EGR2 protein (p.Glu29Ala). This variant is not present in population databases (gnomAD no frequency). This variant has not been reported in the literature in individuals affected with EGR2-related conditions. Invitae Evidence Modeling of protein sequence and biophysical properties (such as structural, functional, and spatial information, amino acid conservation, physicochemical variation, residue mobility, and thermodynamic stability) has been performed for this missense variant. However, the output from this modeling did not meet the statistical confidence thresholds required to predict the impact of this variant on EGR2 protein function. In summary, the available evidence is currently insufficient to determine the role of this variant in disease. Therefore, it has been classified as a Variant of Uncertain Significance.